The following is an entry in ClinVar:

ClinVar aggregate classification (germline): Uncertain significance. Review status: criteria provided, multiple submitters, no conflicts (2 of 4 stars). 3 submissions from 3 submitters: Uncertain significance (3). Last evaluated 2025-09-03.

Conditions:
BMP7-related disorder. Also called: BMP7-related condition.

Allele frequency attached by ClinVar (database versions not stated): gnomAD 0.00001; TOPMed 0.00003.
gnomAD v4.1: 15 of 1,610,678 alleles (0.00093%); highest among the groups gnomAD compares: African/African-American, 0.0027%; no homozygotes.

Submissions (3):

PreventionGenetics, part of Exact Sciences
Classification: Uncertain significance for BMP7-related condition. Last evaluated: 2025-09-03. Review status: criteria provided, single submitter. Criteria: ACMG Guidelines, 2015. Collection method: clinical testing. Allele origin: germline.
Comment: The BMP7 c.346C>T variant is predicted to result in the amino acid substitution p.Pro116Ser. To our knowledge, this variant has not been reported in the literature. This variant is reported in 0.0084% of alleles in individuals of African descent in gnomAD. At this time, the clinical significance of this variant is uncertain due to the absence of conclusive functional and genetic evidence.

Ambry Genetics
Classification: Uncertain significance. Last evaluated: 2025-08-27. Review status: criteria provided, single submitter. Criteria: Ambry Variant Classification Scheme 2023. Collection method: clinical testing. Allele origin: germline.

Labcorp Genetics (formerly Invitae), Labcorp
Classification: Uncertain significance. Last evaluated: 2023-10-18. Review status: criteria provided, single submitter. Criteria: Invitae Variant Classification Sherloc (09022015). Collection method: clinical testing. Allele origin: germline.
Comment: This sequence change replaces proline, which is neutral and non-polar, with serine, which is neutral and polar, at codon 116 of the BMP7 protein (p.Pro116Ser). This variant is present in population databases (no rsID available, gnomAD 0.009%). This variant has not been reported in the literature in individuals affected with BMP7-related conditions. An algorithm developed to predict the effect of missense changes on protein structure and function (PolyPhen-2) suggests that this variant is likely to be tolerated. In summary, the available evidence is currently insufficient to determine the role of this variant in disease. Therefore, it has been classified as a Variant of Uncertain Significance.

NM_001719.3(BMP7):c.346C>T (p.Pro116Ser)

Gene: BMP7 (bone morphogenetic protein 7; minus strand). Cytogenetic location: 20q13.31.
Variant type: single nucleotide variant.
Coding change: c.346C>T on transcript NM_001719.3 (MANE Select); coding-DNA position 346, C replaced by T.
Protein change: p.Pro116Ser; replaces proline 116 with serine.
Molecular consequence: missense variant.
Genome position (GRCh38, 1-based): chr20:57,265,777, G>A on the plus strand (C>T on the coding strand, the complement: BMP7 is on the minus strand). VCF-style: chr20-57265777-G-A. GRCh37 (hg19) VCF-style: chr20-55840833-G-A.
Other names: c.346C>T (NM_001719.2); short protein forms P116S.
Identifiers: ClinVar variation 3002769 (VCV003002769.5), dbSNP rs976788767, ClinGen allele CA316820033.